The following is an entry in ClinVar:

NM_020806.5(GPHN):c.593C>T (p.Thr198Ile)

Gene: GPHN (gephyrin; plus strand). Cytogenetic location: 14q23.3.
Variant type: single nucleotide variant.
Coding change: c.593C>T on transcript NM_020806.5 (MANE Select); coding-DNA position 593, C replaced by T.
Protein change: p.Thr198Ile; replaces threonine 198 with isoleucine.
Molecular consequence: missense variant.
Genome position (GRCh38, 1-based): chr14:66,922,802, C>T. VCF-style: chr14-66922802-C-T. GRCh37 (hg19) VCF-style: chr14-67389519-C-T.
Other names: c.593C>T, p.Thr198Ile (NM_001024218.2, NM_001377515.1, NM_001377516.1 and 2 more transcripts); c.632C>T, p.Thr211Ile (NM_001377514.1, NM_001377519.1); short protein forms T198I, T211I.
Identifiers: ClinVar variation 2857241 (VCV002857241.3), dbSNP rs1486234815, ClinGen allele CA390256279.

ClinVar aggregate classification (germline): Uncertain significance (1 of 4 stars; one submission).

Conditions:
Sulfite oxidase deficiency due to molybdenum cofactor deficiency type C. Also called: Molybdenum cofactor deficiency, complementation group C; Molybdenum cofactor deficiency C. Identifiers: Orphanet 308400, Orphanet 833, MedGen C1854990, MONDO:0014212, OMIM 615501.

Allele frequency attached by ClinVar (database versions not stated): gnomAD 0.00001; gnomAD exomes 0.00001; TOPMed 0.00001.
gnomAD v4.1: 11 of 1,613,070 alleles (0.00068%); highest among the groups gnomAD compares: Non-Finnish European, 0.00093%; no homozygotes.

Submission:

Labcorp Genetics (formerly Invitae), Labcorp
Classification: Uncertain significance for Sulfite oxidase deficiency due to molybdenum cofactor deficiency type C. Last evaluated: 2024-12-19. Review status: criteria provided, single submitter. Criteria: Invitae Variant Classification Sherloc (09022015). Collection method: clinical testing. Allele origin: germline.
Comment: This sequence change replaces threonine, which is neutral and polar, with isoleucine, which is neutral and non-polar, at codon 198 of the GPHN protein (p.Thr198Ile). This variant is not present in population databases (gnomAD no frequency). This variant has not been reported in the literature in individuals affected with GPHN-related conditions. ClinVar contains an entry for this variant (Variation ID: 2857241). Invitae Evidence Modeling of protein sequence and biophysical properties (such as structural, functional, and spatial information, amino acid conservation, physicochemical variation, residue mobility, and thermodynamic stability) indicates that this missense variant is not expected to disrupt GPHN protein function with a negative predictive value of 80%. In summary, the available evidence is currently insufficient to determine the role of this variant in disease. Therefore, it has been classified as a Variant of Uncertain Significance.